The following is an entry in ClinVar:

NM_000168.6(GLI3):c.3166C>A (p.Gln1056Lys)

Gene: GLI3 (GLI family zinc finger 3; minus strand). Cytogenetic location: 7p14.1.
Variant type: single nucleotide variant.
Coding change: c.3166C>A on transcript NM_000168.6 (MANE Select); coding-DNA position 3166, C replaced by A.
Protein change: p.Gln1056Lys; replaces glutamine 1056 with lysine.
Molecular consequence: missense variant.
Genome position (GRCh38, 1-based): chr7:41,965,907, G>T on the plus strand (C>A on the coding strand, the complement: GLI3 is on the minus strand). VCF-style: chr7-41965907-G-T. GRCh37 (hg19) VCF-style: chr7-42005505-G-T.
Other names: short protein forms Q1056K.
Identifiers: ClinVar variation 3343169 (VCV003343169.1).
Genomic context (GRCh38, chr7:41,965,907, plus strand): 5'-CCAGGGTGACGTTCTCGGTGATGCTGGGAGGACAGGGGGACGAGTGGAAGTTTCGGGACT[G>T]GCCGCCCTCGGGCCGCGTGTAATTCTGAAGCACGAGACTGCGCTTCTCCGCGGACGTGGC-3'
Protein context (NP_000159.3, residues 1046-1066): LQNYTRPEGG[Gln1056Lys]SRNFHSSPCP

ClinVar aggregate classification (germline): Uncertain significance (1 of 4 stars; one submission).

gnomAD v4.1: 1 of 1,613,504 alleles (0.000062%); highest among the groups gnomAD compares: Non-Finnish European, 0.000085%; no homozygotes.

Submission:

GeneDx
Classification: Uncertain significance. Last evaluated: 2023-05-03. Review status: criteria provided, single submitter. Criteria: GeneDx Variant Classification Process June 2021. Collection method: clinical testing. Allele origin: germline. Affected: yes.
Comment: Not observed at significant frequency in large population cohorts (gnomAD); In silico analysis supports that this missense variant does not alter protein structure/function; Has not been previously published as pathogenic or benign to our knowledge